The following is an entry in ClinVar:

ClinVar aggregate classification (germline): Uncertain significance (1 of 4 stars; one submission).

gnomAD v4.1: 1 of 1,613,158 alleles (0.000062%); highest among the groups gnomAD compares: Non-Finnish European, 0.000085%; no homozygotes.

Submission:

Labcorp Genetics (formerly Invitae), Labcorp
Classification: Uncertain significance. Last evaluated: 2025-04-21. Review status: criteria provided, single submitter. Criteria: Invitae Variant Classification Sherloc (09022015). Collection method: clinical testing. Allele origin: germline.
Comment: This sequence change replaces valine, which is neutral and non-polar, with leucine, which is neutral and non-polar, at codon 154 of the ARHGEF1 protein (p.Val154Leu). This variant is not present in population databases (gnomAD no frequency). This variant has not been reported in the literature in individuals affected with ARHGEF1-related conditions. An algorithm developed to predict the effect of missense changes on protein structure and function outputs the following: PolyPhen-2: "Benign". The leucine amino acid residue is found in multiple mammalian species, which suggests that this missense change does not adversely affect protein function. In summary, the available evidence is currently insufficient to determine the role of this variant in disease. Therefore, it has been classified as a Variant of Uncertain Significance.

NM_004706.4(ARHGEF1):c.415G>T (p.Val139Leu)

Gene: ARHGEF1 (Rho guanine nucleotide exchange factor 1; plus strand). Cytogenetic location: 19q13.2.
Variant type: single nucleotide variant.
Coding change: c.415G>T on transcript NM_004706.4 (MANE Select); coding-DNA position 415, G replaced by T.
Protein change: p.Val139Leu; replaces valine 139 with leucine.
Molecular consequence: missense variant. On other transcripts: non-coding transcript variant (2).
Genome position (GRCh38, 1-based): chr19:41,892,650, G>T. VCF-style: chr19-41892650-G-T. GRCh37 (hg19) VCF-style: chr19-42396721-G-T.
Other names: c.415G>T, p.Val139Leu (NM_001396000.1, NM_001396003.1, NM_001396006.1); c.316G>T, p.Val106Leu (NM_001396002.1, NM_001396004.1, NM_198977.2); c.460G>T, p.Val154Leu (NM_199002.2); short protein forms V139L, V154L, V106L.
Identifiers: ClinVar variation 4750407 (VCV004750407.1).
Genomic context (GRCh38, chr19:41,892,650, plus strand): 5'-TGTGTCCCTGCAGACCGCACTAGGGCTGACCTCATCTCCGAGGATGTCCAGCGGCGGTTC[G>T]TGCAGGAGGTGGTGCAAAGCCAGCAGGTAGCCGTGGGCCGGCAGCTGGAGGACTTCCGTT-3'
Protein context (NP_004697.2, residues 129-149): LISEDVQRRF[Val139Leu]QEVVQSQQVA